The following is an entry in ClinVar:

ClinVar aggregate classification (germline): Uncertain significance. Review status: criteria provided, multiple submitters, no conflicts (2 of 4 stars). 3 submissions from 3 submitters: Uncertain significance (3). Last evaluated 2024-12-18.

Conditions:
Hereditary cancer-predisposing syndrome. Also called: Tumor predisposition; Hereditary neoplastic syndrome; Neoplastic Syndromes, Hereditary; Hereditary Cancer Syndrome. Identifiers: Orphanet 140162, MedGen C0027672, MeSH D009386, MONDO:0015356.
Gastrointestinal stromal tumor. Also called: Gastrointestinal stroma tumor; Gastrointestinal stromal tumor, somatic. Identifiers: Orphanet 44890, MedGen C0238198, MeSH D046152, MONDO:0011719, OMIM 606764, HP:0100723.

Allele frequency attached by ClinVar (database versions not stated): gnomAD exomes below 0.00001 and 0.00001; TOPMed below 0.00001; ExAC 0.00001; gnomAD 0.00001.
gnomAD v4.1: 3 of 1,613,842 alleles (0.00019%); highest among the groups gnomAD compares: African/African-American, 0.0013%; no homozygotes.

Submissions (3):

Labcorp Genetics (formerly Invitae), Labcorp
Classification: Uncertain significance for Gastrointestinal stromal tumor. Last evaluated: 2024-12-18. Review status: criteria provided, single submitter. Criteria: Invitae Variant Classification Sherloc (09022015). Collection method: clinical testing. Allele origin: germline.
Comment: This sequence change replaces aspartic acid, which is acidic and polar, with asparagine, which is neutral and polar, at codon 422 of the PDGFRA protein (p.Asp422Asn). This variant is present in population databases (rs770847351, gnomAD 0.004%). This variant has not been reported in the literature in individuals affected with PDGFRA-related conditions. ClinVar contains an entry for this variant (Variation ID: 458993). Invitae Evidence Modeling of protein sequence and biophysical properties (such as structural, functional, and spatial information, amino acid conservation, physicochemical variation, residue mobility, and thermodynamic stability) indicates that this missense variant is not expected to disrupt PDGFRA protein function with a negative predictive value of 80%. In summary, the available evidence is currently insufficient to determine the role of this variant in disease. Therefore, it has been classified as a Variant of Uncertain Significance.

Ambry Genetics
Classification: Uncertain significance for Hereditary cancer-predisposing syndrome. Last evaluated: 2024-11-19. Review status: criteria provided, single submitter. Criteria: Ambry Variant Classification Scheme 2023. Collection method: clinical testing. Allele origin: germline.
Comment: The p.D422N variant (also known as c.1264G>A), located in coding exon 8 of the PDGFRA gene, results from a G to A substitution at nucleotide position 1264. The aspartic acid at codon 422 is replaced by asparagine, an amino acid with highly similar properties. This amino acid position is conserved. In addition, this alteration is predicted to be tolerated by in silico analysis. Since supporting evidence is limited at this time, the clinical significance of this alteration remains unclear.

GeneDx
Classification: Uncertain significance. Last evaluated: 2023-10-31. Review status: criteria provided, single submitter. Criteria: GeneDx Variant Classification Process June 2021. Collection method: clinical testing. Allele origin: germline. Affected: yes.
Comment: Not observed at significant frequency in large population cohorts (gnomAD); In silico analysis supports that this missense variant does not alter protein structure/function; Has not been previously published as pathogenic or benign to our knowledge

NM_006206.6(PDGFRA):c.1264G>A (p.Asp422Asn)

Gene: PDGFRA (platelet derived growth factor receptor alpha; plus strand). Cytogenetic location: 4q12.
Variant type: single nucleotide variant.
Coding change: c.1264G>A on transcript NM_006206.6 (MANE Select); coding-DNA position 1264, G replaced by A.
Protein change: p.Asp422Asn; replaces aspartic acid 422 with asparagine.
Molecular consequence: missense variant.
Genome position (GRCh38, 1-based): chr4:54,272,420, G>A. VCF-style: chr4-54272420-G-A. GRCh37 (hg19) VCF-style: chr4-55138587-G-A.
Other names: c.1264G>A, p.Asp422Asn (NM_001347827.2, NM_001347829.2); c.1339G>A, p.Asp447Asn (NM_001347828.2); c.1303G>A, p.Asp435Asn (NM_001347830.2); short protein forms D422N, D435N, D447N.
Identifiers: ClinVar variation 458993 (VCV000458993.13), dbSNP rs770847351, ClinGen allele CA2922507.